The following is an entry in ClinVar:

NM_006514.4(SCN10A):c.619G>T (p.Asp207Tyr)

Gene: SCN10A (sodium voltage-gated channel alpha subunit 10; minus strand). Cytogenetic location: 3p22.2.
Variant type: single nucleotide variant.
Coding change: c.619G>T on transcript NM_006514.4 (MANE Select); coding-DNA position 619, G replaced by T.
Protein change: p.Asp207Tyr; replaces aspartic acid 207 with tyrosine.
Molecular consequence: missense variant.
Genome position (GRCh38, 1-based): chr3:38,763,577, C>A on the plus strand (G>T on the coding strand, the complement: SCN10A is on the minus strand). VCF-style: chr3-38763577-C-A. GRCh37 (hg19) VCF-style: chr3-38805068-C-A.
Other names: c.619G>T, p.Asp207Tyr (NM_001293306.2, NM_001293307.2); short protein forms D207Y.
Identifiers: ClinVar variation 1306682 (VCV001306682.5), dbSNP rs1454410857, ClinGen allele CA352172188.
Genomic context (GRCh38, chr3:38,763,577, plus strand): 5'-AAACTGTTTTTAATGCTCTAAGAACTCTGAATGTCCGCAGGCCTGAGATCCCACGGAGAT[C>A]TATTGCTGTGCCAACATATCTGTAGGACCAGAAGTTAGTCAGCATCTCTGCAAGCAAGGG-3'
Protein context (NP_006505.4, residues 197-217): ITLAYVGTAI[Asp207Tyr]LRGISGLRTF

ClinVar aggregate classification (germline): Uncertain significance. Review status: criteria provided, multiple submitters, no conflicts (2 of 4 stars). 3 submissions from 3 submitters: Uncertain significance (3). Last evaluated 2025-12-15.

Conditions:
Brugada syndrome. Also called: Sudden unexplained nocturnal death syndrome; Sudden unexpected nocturnal death syndrome; Sudden Unexplained Death Syndrome; Sudden Unexplained Nocturnal Death Syndrome (SUNDS). Identifiers: Orphanet 130, MedGen C1142166, MONDO:0015263.
Cardiovascular phenotype. Identifiers: MedGen CN230736.

Allele frequency attached by ClinVar (database versions not stated): gnomAD 0.00003 and 0.00004; TOPMed 0.00006.
gnomAD v4.1: 10 of 1,613,872 alleles (0.00062%); highest among the groups gnomAD compares: Admixed American, 0.0067%; no homozygotes.

Submissions (3):

Labcorp Genetics (formerly Invitae), Labcorp
Classification: Uncertain significance for Brugada syndrome. Last evaluated: 2025-12-15. Review status: criteria provided, single submitter. Criteria: Invitae Variant Classification Sherloc (09022015). Collection method: clinical testing. Allele origin: germline.
Comment: This sequence change replaces aspartic acid, which is acidic and polar, with tyrosine, which is neutral and polar, at codon 207 of the SCN10A protein (p.Asp207Tyr). This variant is not present in population databases (gnomAD no frequency). This variant has not been reported in the literature in individuals affected with SCN10A-related conditions. ClinVar contains an entry for this variant (Variation ID: 1306682). Invitae Evidence Modeling of protein sequence and biophysical properties (such as structural, functional, and spatial information, amino acid conservation, physicochemical variation, residue mobility, and thermodynamic stability) indicates that this missense variant is not expected to disrupt SCN10A protein function with a negative predictive value of 80%. In summary, the available evidence is currently insufficient to determine the role of this variant in disease. Therefore, it has been classified as a Variant of Uncertain Significance.

Ambry Genetics
Classification: Uncertain significance for Cardiovascular phenotype. Last evaluated: 2024-02-16. Review status: criteria provided, single submitter. Criteria: Ambry Variant Classification Scheme 2023. Collection method: clinical testing. Allele origin: germline.
Comment: The p.D207Y variant (also known as c.619G>T), located in coding exon 5 of the SCN10A gene, results from a G to T substitution at nucleotide position 619. The aspartic acid at codon 207 is replaced by tyrosine, an amino acid with highly dissimilar properties. This amino acid position is conserved. In addition, this alteration is predicted to be deleterious by in silico analysis. Based on the available evidence, the clinical significance of this alteration remains unclear.

GeneDx
Classification: Uncertain significance. Last evaluated: 2019-06-25. Review status: criteria provided, single submitter. Criteria: GeneDx Variant Classification Process June 2021. Collection method: clinical testing. Allele origin: germline. Affected: yes.
Comment: Has not been previously published as pathogenic or benign to our knowledge; Not observed in large population cohorts (Lek et al., 2016); In silico analysis, which includes protein predictors and evolutionary conservation, supports a deleterious effect